The following is an entry in ClinVar:

NM_021076.4(NEFH):c.819G>C (p.Glu273Asp)

Gene: NEFH (neurofilament heavy chain; plus strand). Cytogenetic location: 22q12.2.
Variant type: single nucleotide variant.
Coding change: c.819G>C on transcript NM_021076.4 (MANE Select); coding-DNA position 819, G replaced by C.
Protein change: p.Glu273Asp; replaces glutamic acid 273 with aspartic acid.
Molecular consequence: missense variant.
Genome position (GRCh38, 1-based): chr22:29,481,081, G>C. VCF-style: chr22-29481081-G-C. GRCh37 (hg19) VCF-style: chr22-29877070-G-C.
Other names: short protein forms E273D.
Identifiers: ClinVar variation 1762389 (VCV001762389.4), dbSNP rs917756240, ClinGen allele CA323083217.

ClinVar aggregate classification (germline): Uncertain significance. Review status: criteria provided, multiple submitters, no conflicts (2 of 4 stars). 2 submissions from 2 submitters: Uncertain significance (2). Last evaluated 2024-07-03.

Conditions:
Inborn genetic diseases. Identifiers: MedGen C0950123, MeSH D030342.

gnomAD v4.1: 5 of 1,532,032 alleles (0.00033%); highest among the groups gnomAD compares: African/African-American, 0.0027%; no homozygotes.

Submissions (2):

Labcorp Genetics (formerly Invitae), Labcorp
Classification: Uncertain significance. Last evaluated: 2024-07-03. Review status: criteria provided, single submitter. Criteria: Invitae Variant Classification Sherloc (09022015). Collection method: clinical testing. Allele origin: germline.
Comment: This sequence change replaces glutamic acid, which is acidic and polar, with aspartic acid, which is acidic and polar, at codon 273 of the NEFH protein (p.Glu273Asp). This variant is not present in population databases (gnomAD no frequency). This variant has not been reported in the literature in individuals affected with NEFH-related conditions. ClinVar contains an entry for this variant (Variation ID: 1762389). Advanced modeling of protein sequence and biophysical properties (such as structural, functional, and spatial information, amino acid conservation, physicochemical variation, residue mobility, and thermodynamic stability) performed at Invitae indicates that this missense variant is not expected to disrupt NEFH protein function with a negative predictive value of 95%. In summary, the available evidence is currently insufficient to determine the role of this variant in disease. Therefore, it has been classified as a Variant of Uncertain Significance.

Ambry Genetics
Classification: Uncertain significance for Inborn genetic diseases. Last evaluated: 2022-02-10. Review status: criteria provided, single submitter. Criteria: Ambry Variant Classification Scheme 2023. Collection method: clinical testing. Allele origin: germline.